The following is an entry in ClinVar:

ClinVar aggregate classification (germline): Benign/Likely benign. Review status: criteria provided, multiple submitters, no conflicts (2 of 4 stars). 5 submissions from 5 submitters: Benign (3); Likely benign (2). Last evaluated 2026-02-01.

Conditions:
Cardiovascular phenotype. Identifiers: MedGen CN230736.
Brugada syndrome. Also called: Sudden unexplained nocturnal death syndrome; Sudden unexpected nocturnal death syndrome; Sudden Unexplained Death Syndrome; Sudden Unexplained Nocturnal Death Syndrome (SUNDS). Identifiers: Orphanet 130, MedGen C1142166, MONDO:0015263.
Brugada syndrome 2 (BRGDA2). Identifiers: Orphanet 130, MedGen C2673193, MONDO:0012728, OMIM 611777.

Allele frequency attached by ClinVar (database versions not stated): gnomAD exomes 0.00050 and 0.00137; ExAC 0.00167; gnomAD 0.00497 and 0.00515; ESP Exome Variant Server 0.00561; TOPMed 0.00602; 1000 Genomes Project 30x 0.00750; 1000 Genomes Project 0.00759.
gnomAD v4.1: 1,493 of 1,613,394 alleles (0.093%); highest among the groups gnomAD compares: African/African-American, 1.8%; 13 homozygotes.

Submissions (5):

Labcorp Genetics (formerly Invitae), Labcorp
Classification: Benign for Brugada syndrome. Last evaluated: 2026-02-01. Review status: criteria provided, single submitter. Criteria: Invitae Variant Classification Sherloc (09022015). Collection method: clinical testing. Allele origin: germline.

Blueprint Genetics
Classification: Likely benign. Last evaluated: 2024-11-01. Review status: criteria provided, single submitter. Criteria: ACMG Guidelines, 2015. Collection method: clinical testing. Allele origin: germline.

Fulgent Genetics
Classification: Likely benign for Brugada syndrome 2. Last evaluated: 2021-08-11. Review status: criteria provided, single submitter. Criteria: ACMG Guidelines, 2015. Collection method: clinical testing. Allele origin: unknown.

Ambry Genetics
Classification: Benign for Cardiovascular phenotype. Last evaluated: 2015-07-27. Review status: criteria provided, single submitter. Criteria: Ambry Variant Classification Scheme 2023. Collection method: clinical testing. Allele origin: germline.

GeneDx
Classification: Benign. Last evaluated: 2014-07-28. Review status: criteria provided, single submitter. Criteria: GeneDx Variant Classification (06012015). Collection method: clinical testing. Allele origin: germline. Affected: yes.
Comment: This variant is considered likely benign or benign based on one or more of the following criteria: it is a conservative change, it occurs at a poorly conserved position in the protein, it is predicted to be benign by multiple in silico algorithms, and/or has population frequency not consistent with disease.

NM_015141.4(GPD1L):c.81T>C (p.Asn27=)

Gene: GPD1L (glycerol-3-phosphate dehydrogenase 1 like; plus strand). Cytogenetic location: 3p22.3.
Variant type: single nucleotide variant.
Coding change: c.81T>C on transcript NM_015141.4 (MANE Select); coding-DNA position 81, T replaced by C.
Protein change: p.Asn27=; no amino-acid change (asparagine 27 retained).
Molecular consequence: synonymous variant.
Genome position (GRCh38, 1-based): chr3:32,128,109, T>C. VCF-style: chr3-32128109-T-C. GRCh37 (hg19) VCF-style: chr3-32169601-T-C.
Other names: p.N27N:AAT>AAC.
Identifiers: ClinVar variation 190760 (VCV000190760.18), dbSNP rs34278284, ClinGen allele CA334803.